The following is an entry in ClinVar:

ClinVar aggregate classification (germline): Conflicting classifications of pathogenicity. Review status: criteria provided, conflicting classifications (1 of 4 stars). 8 submissions from 6 submitters: Uncertain significance (4); Benign (2); Likely benign (1). 1 of the submissions does not count toward it. Last evaluated 2026-01-15.

Conditions:
Familial Mediterranean fever, autosomal dominant. Also called: Dominant Familial Mediterranean Fever; FMF, AUTOSOMAL DOMINANT. Identifiers: Orphanet 342, MedGen C1851347, MONDO:0007601, OMIM 134610.
Familial Mediterranean fever (FMF). Also called: POLYSEROSITIS, FAMILIAL PAROXYSMAL; POLYSEROSITIS, RECURRENT; Periodic peritonitis; Benign paroxysmal peritonitis. Identifiers: Orphanet 342, MedGen C0031069, MONDO:0018088, OMIM 249100. Disease mechanism: gain of function.
Acute febrile neutrophilic dermatosis (AFND). Also called: Sweet Syndrome; Gomm Button disease. Identifiers: Orphanet 3243, MedGen C0085077, MONDO:0011959, OMIM 608068.
Autoinflammatory syndrome. Identifiers: Orphanet 93665, MedGen C3890737, MONDO:0019751.

Allele frequency attached by ClinVar (database versions not stated): gnomAD exomes 0.00001; TOPMed below 0.00001; gnomAD 0.00001.
gnomAD v4.1: 23 of 1,613,994 alleles (0.0014%); highest among the groups gnomAD compares: Non-Finnish European, 0.0018%; no homozygotes.

Submissions (8):

Labcorp Genetics (formerly Invitae), Labcorp
Classification: Uncertain significance for Familial Mediterranean fever. Last evaluated: 2026-01-15. Review status: criteria provided, single submitter. Criteria: Invitae Variant Classification Sherloc (09022015). Collection method: clinical testing. Allele origin: germline.
Comment: This sequence change replaces threonine, which is neutral and polar, with asparagine, which is neutral and polar, at codon 548 of the MEFV protein (p.Thr548Asn). This variant is present in population databases (no rsID available, gnomAD 0.002%). This variant has not been reported in the literature in individuals affected with MEFV-related conditions. ClinVar contains an entry for this variant (Variation ID: 633304). An algorithm developed to predict the effect of missense changes on protein structure and function outputs the following: PolyPhen-2: "Benign". The asparagine amino acid residue is found in multiple mammalian species, which suggests that this missense change does not adversely affect protein function. In summary, the available evidence is currently insufficient to determine the role of this variant in disease. Therefore, it has been classified as a Variant of Uncertain Significance.

Genome-Nilou Lab
Classification: Likely benign for Familial Mediterranean fever. Last evaluated: 2023-02-08. Review status: criteria provided, single submitter. Criteria: ACMG Guidelines, 2015. Collection method: clinical testing. Allele origin: germline.

Genome-Nilou Lab
Classification: Benign for Familial Mediterranean fever, autosomal dominant. Last evaluated: 2023-02-08. Review status: criteria provided, single submitter. Criteria: ACMG Guidelines, 2015. Collection method: clinical testing. Allele origin: germline.

Genome-Nilou Lab
Classification: Benign for Acute febrile neutrophilic dermatosis. Last evaluated: 2023-02-08. Review status: criteria provided, single submitter. Criteria: ACMG Guidelines, 2015. Collection method: clinical testing. Allele origin: germline.

Genome Diagnostics Laboratory, The Hospital for Sick Children
Classification: Uncertain significance for Autoinflammatory syndrome. Last evaluated: 2021-02-05. Review status: criteria provided, single submitter. Criteria: ACMG Guidelines, 2015. Collection method: clinical testing. Allele origin: germline. Affected: yes.

GeneDx
Classification: Uncertain significance. Last evaluated: 2020-05-29. Review status: criteria provided, single submitter. Criteria: GeneDx Variant Classification Process June 2021. Collection method: clinical testing. Allele origin: germline. Affected: yes.
Comment: Not observed at a significant frequency in large population cohorts (Lek et al., 2016); In silico analysis supports that this missense variant does not alter protein structure/function; Has not been previously published as pathogenic or benign to our knowledge

Women's Health and Genetics/Laboratory Corporation of America, LabCorp
Classification: Uncertain significance. Last evaluated: 2017-12-28. Review status: criteria provided, single submitter. Criteria: LabCorp Variant Classification Summary - May 2015. Collection method: clinical testing. Allele origin: germline.
Comment: Variant summary: The MEFV c.1643C>A (p.Thr548Asn) variant involves the alteration of a non-conserved nucleotide. 3/4 in silico tools predict a benign outcome for this variant (SNPsandGO not captured due to low reliability index). This variant was found in 2/277202 control chromosomes at a frequency of 0.0000072, which does not exceed the estimated maximal expected allele frequency of a pathogenic MEFV variant (0.0216506). The variant of interest has not, to our knowledge, been reported in affected individuals via publications and/or reputable databases/clinical diagnostic laboratories; nor evaluated for functional impact by in vivo/vitro studies. Because of the absence of clinical information and the lack of functional studies, the variant is classified as a variant of uncertain significance (VUS) until additional information becomes available.

Natera, Inc.
Classification: Uncertain significance for Familial Mediterranean fever. Last evaluated: 2020-09-16. Review status: no assertion criteria provided. Collection method: clinical testing. Allele origin: germline. Not counted in ClinVar's aggregate classification.

NM_000243.3(MEFV):c.1643C>A (p.Thr548Asn)

Gene: MEFV (MEFV innate immunity regulator, pyrin; minus strand). Cytogenetic location: 16p13.3.
Variant type: single nucleotide variant.
Coding change: c.1643C>A on transcript NM_000243.3 (MANE Select); coding-DNA position 1643, C replaced by A.
Protein change: p.Thr548Asn; replaces threonine 548 with asparagine.
Molecular consequence: missense variant.
Genome position (GRCh38, 1-based): chr16:3,244,556, G>T on the plus strand (C>A on the coding strand, the complement: MEFV is on the minus strand). VCF-style: chr16-3244556-G-T. GRCh37 (hg19) VCF-style: chr16-3294556-G-T.
Other names: c.1010C>A, p.Thr337Asn (NM_001198536.2); short protein forms T548N, T337N.
Identifiers: ClinVar variation 633304 (VCV000633304.16), dbSNP rs550970304, ClinGen allele CA394458854.